The following is an entry in ClinVar:

NM_001379110.1(SLC9A6):c.71_88del (p.Ile24_Leu29del)

Genes: SLC9A6 (solute carrier family 9 member A6; plus strand), LOC130068747 (ATAC-STARR-seq lymphoblastoid active region 29988; plus strand). Cytogenetic location: Xq26.3.
Variant type: Deletion.
Coding change: c.71_88del on transcript NM_001379110.1 (MANE Select); coding-DNA positions 71 to 88, 18 bases deleted (TCTTCATCCTGCTGCTCA).
Protein change: p.Ile24_Leu29del.
Molecular consequence: inframe deletion.
Genome position (GRCh38, 1-based): chrX:135,985,729-135,985,746, TCTTCATCCTGCTGCTCA deleted; deleting any 18 consecutive bases within chrX:135,985,722-135,985,746 gives the same sequence; the c. name uses the placement nearest the transcript's 3' end. VCF-style (leftmost placement, unchanged base first): chrX-135985721-CCTGCTCATCTTCATCCTG-C. GRCh37 (hg19) VCF-style: chrX-135067880-CCTGCTCATCTTCATCCTG-C.
Other names: c.227_244del, p.Ile76_Leu81del (NM_001042537.2, NM_006359.3); c.71_88del, p.Ile24_Leu29del (NM_001177651.2, NM_001330652.2).
Identifiers: ClinVar variation 653174 (VCV000653174.7), dbSNP rs1603184929, ClinGen allele CA915952375.

ClinVar aggregate classification (germline): Uncertain significance (1 of 4 stars; one submission).

Conditions:
Christianson syndrome (MRXSCH). Also called: SLC9A6-Related Syndromic Mental Retardation; X-linked mental retardation, syndromic, Christianson type; INTELLECTUAL DEVELOPMENTAL DISORDER, X-LINKED, SYNDROMIC, CHRISTIANSON TYPE. Identifiers: Orphanet 85278, MedGen C2678194, MONDO:0010278, OMIM 300243.

Submission:

Labcorp Genetics (formerly Invitae), Labcorp
Classification: Uncertain significance for Christianson syndrome. Last evaluated: 2018-07-26. Review status: criteria provided, single submitter. Criteria: Invitae Variant Classification Sherloc (09022015). Collection method: clinical testing. Allele origin: germline.
Comment: This variant, c.227_244del, results in the deletion of 6 amino acids of the SLC9A6 protein (p.Ile76_Leu81del), but otherwise preserves the integrity of the reading frame. This variant is not present in population databases (ExAC no frequency). This variant has not been reported in the literature in individuals with SLC9A6-related disease. Experimental studies and prediction algorithms are not available for this variant, and the functional significance of the deleted amino acids unknown. In summary, the available evidence is currently insufficient to determine the role of this variant in disease. Therefore, it has been classified as a Variant of Uncertain Significance.